The following is an entry in ClinVar:

NM_144631.6(ZNF513):c.607G>A (p.Glu203Lys)

Gene: ZNF513 (zinc finger protein 513; minus strand). Cytogenetic location: 2p23.3.
Variant type: single nucleotide variant.
Coding change: c.607G>A on transcript NM_144631.6 (MANE Select); coding-DNA position 607, G replaced by A.
Protein change: p.Glu203Lys; replaces glutamic acid 203 with lysine.
Molecular consequence: missense variant.
Genome position (GRCh38, 1-based): chr2:27,378,659, C>T on the plus strand (G>A on the coding strand, the complement: ZNF513 is on the minus strand). VCF-style: chr2-27378659-C-T. GRCh37 (hg19) VCF-style: chr2-27601526-C-T.
Other names: c.421G>A, p.Glu141Lys (NM_001201459.2); c.607G>A (NM_144631.5); short protein forms E203K, E141K.
Identifiers: ClinVar variation 2876077 (VCV002876077.4), dbSNP rs928672847, ClinGen allele CA44529226.

ClinVar aggregate classification (germline): Uncertain significance. Review status: criteria provided, multiple submitters, no conflicts (2 of 4 stars). 2 submissions from 2 submitters: Uncertain significance (2). Last evaluated 2024-11-08.

Allele frequency attached by ClinVar (database versions not stated): gnomAD exomes below 0.00001; gnomAD 0.00002; TOPMed 0.00003.
gnomAD v4.1: 5 of 1,613,704 alleles (0.00031%); highest among the groups gnomAD compares: Admixed American, 0.0033%; no homozygotes.

Submissions (2):

Ambry Genetics
Classification: Uncertain significance. Last evaluated: 2024-11-08. Review status: criteria provided, single submitter. Criteria: Ambry Variant Classification Scheme 2023. Collection method: clinical testing. Allele origin: germline.

Labcorp Genetics (formerly Invitae), Labcorp
Classification: Uncertain significance. Last evaluated: 2023-11-06. Review status: criteria provided, single submitter. Criteria: Invitae Variant Classification Sherloc (09022015). Collection method: clinical testing. Allele origin: germline.
Comment: This sequence change replaces glutamic acid, which is acidic and polar, with lysine, which is basic and polar, at codon 203 of the ZNF513 protein (p.Glu203Lys). This variant is present in population databases (no rsID available, gnomAD 0.003%). This variant has not been reported in the literature in individuals affected with ZNF513-related conditions. An algorithm developed to predict the effect of missense changes on protein structure and function (PolyPhen-2) suggests that this variant is likely to be disruptive. In summary, the available evidence is currently insufficient to determine the role of this variant in disease. Therefore, it has been classified as a Variant of Uncertain Significance.